The following is an entry in ClinVar:

NM_015909.4(NBAS):c.748del (p.Leu250fs)

Gene: NBAS (NBAS subunit of NRZ tethering complex; minus strand). Cytogenetic location: 2p24.3.
Variant type: Deletion.
Coding change: c.748del on transcript NM_015909.4 (MANE Select); coding-DNA position 748, one base deleted (C; older notation c.748delC).
Protein change: p.Leu250fs; shifts the reading frame from leucine 250.
Molecular consequence: frameshift variant. On other transcripts: non-coding transcript variant (1).
Genome position (GRCh38, 1-based): chr2:15,511,349, G deleted on the plus strand (C on the coding strand, the reverse complement: NBAS is on the minus strand). VCF-style (leftmost placement, unchanged base first): chr2-15511348-AG-A. GRCh37 (hg19) VCF-style: chr2-15651472-AG-A.
Other names: short protein forms L250fs.
Identifiers: ClinVar variation 4775990 (VCV004775990.1).
Genomic context (GRCh38, chr2:15,511,348, plus strand): 5'-CCACAGCTAGAAGCTTTTGACATGCCTACTTCAGCAGTTTCACATCCACCAACAAGTAAA[AG>A]TCTAAAAAGGAGAAAATTTTTAAAAATCGATAAATTGCAAATATAAATAAGAGCAAAACA-3'

ClinVar aggregate classification (germline): Pathogenic (1 of 4 stars; one submission).

Submission:

Labcorp Genetics (formerly Invitae), Labcorp
Classification: Pathogenic. Last evaluated: 2025-11-10. Review status: criteria provided, single submitter. Criteria: Invitae Variant Classification Sherloc (09022015). Collection method: clinical testing. Allele origin: germline.
Comment: This sequence change creates a premature translational stop signal (p.Leu250Phefs*12) in the NBAS gene. It is expected to result in an absent or disrupted protein product. Loss-of-function variants in NBAS are known to be pathogenic (PMID: 26073778, 26541327, 27789416, 28031453). This variant is present in population databases (no rsID available, gnomAD 0.007%). This variant has not been reported in the literature in individuals affected with NBAS-related conditions. For these reasons, this variant has been classified as Pathogenic.

Literature cited by the submitters: PubMed 26073778; PubMed 26541327; PubMed 27789416; PubMed 28031453.